The following is an entry in ClinVar:

NM_206926.2(SELENON):c.1179+81A>G

Gene: SELENON (selenoprotein N; plus strand). Cytogenetic location: 1p36.11.
Variant type: single nucleotide variant.
Coding change: c.1179+81A>G on transcript NM_206926.2 (MANE Select); 81 bases into the intron after coding-DNA position 1179, A replaced by G.
Molecular consequence: intron variant.
Genome position (GRCh38, 1-based): chr1:25,811,960, A>G. VCF-style: chr1-25811960-A-G. GRCh37 (hg19) VCF-style: chr1-26138451-A-G.
Other names: c.1281+81A>G (NM_020451.3).
Identifiers: ClinVar variation 669832 (VCV000669832.2), dbSNP rs11247744, ClinGen allele CA10802536.

ClinVar aggregate classification (germline): Benign. Review status: criteria provided, multiple submitters, no conflicts (2 of 4 stars). 2 submissions from 2 submitters: Benign (2). Last evaluated 2018-06-14.

Allele frequency attached by ClinVar (database versions not stated): 1000 Genomes Project 30x 0.78373; gnomAD 0.74818 and 0.73944; TOPMed 0.75005; 1000 Genomes Project 0.79193; gnomAD exomes 0.79509.
gnomAD v4.1: 1,116,087 of 1,412,422 alleles (79%); highest among the groups gnomAD compares: East Asian, 96%; 443,692 homozygotes.

Submissions (2):

GeneDx
Classification: Benign. Last evaluated: 2018-06-14. Review status: criteria provided, single submitter. Criteria: GeneDx Variant Classification (06012015). Collection method: clinical testing. Allele origin: germline. Affected: yes.
Comment: This variant is considered likely benign or benign based on one or more of the following criteria: it is a conservative change, it occurs at a poorly conserved position in the protein, it is predicted to be benign by multiple in silico algorithms, and/or has population frequency not consistent with disease.

Breakthrough Genomics
Classification: Benign. Review status: criteria provided, single submitter. Criteria: ACMG Guidelines, 2015. Collection method: not provided. Allele origin: germline. Inheritance: Autosomal recessive inheritance. Affected: yes.